The following is an entry in ClinVar:

ClinVar aggregate classification (germline): Uncertain significance (1 of 4 stars; one submission).

Conditions:
Walker-Warburg congenital muscular dystrophy. Also called: Muscular dystrophy-dystroglycanopathy, type A; Walker-Warburg syndrome. Identifiers: Orphanet 899, MedGen C0265221, MONDO:0000171.

Submission:

Labcorp Genetics (formerly Invitae), Labcorp
Classification: Uncertain significance for Walker-Warburg congenital muscular dystrophy. Last evaluated: 2022-06-23. Review status: criteria provided, single submitter. Criteria: Invitae Variant Classification Sherloc (09022015). Collection method: clinical testing. Allele origin: germline.
Comment: This sequence change replaces serine, which is neutral and polar, with alanine, which is neutral and non-polar, at codon 69 of the FKRP protein (p.Ser69Ala). This variant is not present in population databases (gnomAD no frequency). This variant has not been reported in the literature in individuals affected with FKRP-related conditions. Algorithms developed to predict the effect of missense changes on protein structure and function are either unavailable or do not agree on the potential impact of this missense change (SIFT: "Deleterious"; PolyPhen-2: "Benign"; Align-GVGD: "Class C0"). In summary, the available evidence is currently insufficient to determine the role of this variant in disease. Therefore, it has been classified as a Variant of Uncertain Significance.

NM_024301.5(FKRP):c.205T>G (p.Ser69Ala)

Gene: FKRP (fukutin related protein; plus strand). Cytogenetic location: 19q13.32.
Variant type: single nucleotide variant.
Coding change: c.205T>G on transcript NM_024301.5 (MANE Select); coding-DNA position 205, T replaced by G.
Protein change: p.Ser69Ala; replaces serine 69 with alanine.
Molecular consequence: missense variant.
Genome position (GRCh38, 1-based): chr19:46,755,655, T>G. VCF-style: chr19-46755655-T-G. GRCh37 (hg19) VCF-style: chr19-47258912-T-G.
Other names: c.205T>G, p.Ser69Ala (NM_001039885.3); short protein forms S69A.
Identifiers: ClinVar variation 2179775 (VCV002179775.1), dbSNP rs990847012, ClinGen allele CA406494869.